The following is an entry in ClinVar:

ClinVar aggregate classification (germline): Uncertain significance (1 of 4 stars; one submission).

Conditions:
Specific granule deficiency. Identifiers: Orphanet 169142, MedGen C0398593, MONDO:0009506.

Submission:

Labcorp Genetics (formerly Invitae), Labcorp
Classification: Uncertain significance for Specific granule deficiency. Last evaluated: 2025-07-15. Review status: criteria provided, single submitter. Criteria: Invitae Variant Classification Sherloc (09022015). Collection method: clinical testing. Allele origin: germline.
Comment: This sequence change replaces aspartic acid, which is acidic and polar, with asparagine, which is neutral and polar, at codon 41 of the CEBPE protein (p.Asp41Asn). This variant is not present in population databases (gnomAD no frequency). This variant has not been reported in the literature in individuals affected with CEBPE-related conditions. An algorithm developed to predict the effect of missense changes on protein structure and function (PolyPhen-2) suggests that this variant is likely to be disruptive. In summary, the available evidence is currently insufficient to determine the role of this variant in disease. Therefore, it has been classified as a Variant of Uncertain Significance.

NM_001805.4(CEBPE):c.121G>A (p.Asp41Asn)

Gene: CEBPE (CCAAT enhancer binding protein epsilon; minus strand). Cytogenetic location: 14q11.2.
Variant type: single nucleotide variant.
Coding change: c.121G>A on transcript NM_001805.4 (MANE Select); coding-DNA position 121, G replaced by A.
Protein change: p.Asp41Asn; replaces aspartic acid 41 with asparagine.
Molecular consequence: missense variant.
Genome position (GRCh38, 1-based): chr14:23,118,971, C>T on the plus strand (G>A on the coding strand, the complement: CEBPE is on the minus strand). VCF-style: chr14-23118971-C-T. GRCh37 (hg19) VCF-style: chr14-23588180-C-T.
Other names: short protein forms D41N.
Identifiers: ClinVar variation 4752893 (VCV004752893.1).